The following is an entry in ClinVar:

ClinVar aggregate classification (germline): Uncertain significance. Review status: criteria provided, multiple submitters, no conflicts (2 of 4 stars). 4 submissions from 4 submitters: Uncertain significance (3). 1 of the submissions does not count toward it. Last evaluated 2025-06-11.

Conditions:
Pulmonary fibrosis and/or bone marrow failure, Telomere-related, 3. Also called: PULMONARY FIBROSIS AND/OR BONE MARROW FAILURE SYNDROME, TELOMERE-RELATED, 3. Identifiers: Orphanet 2032, MedGen C4225346, MONDO:0014613, OMIM 616373.
Dyskeratosis congenita, autosomal recessive 5 (DKCB5). Identifiers: MedGen C3554656, MONDO:0014076, OMIM 615190.
Inborn genetic diseases. Identifiers: MedGen C0950123, MeSH D030342.
Dyskeratosis congenita. Identifiers: Orphanet 1775, MedGen C0265965, MONDO:0015780.

Allele frequency attached by ClinVar (database versions not stated): TOPMed 0.00002.
gnomAD v4.1: 5 of 1,611,620 alleles (0.00031%); highest among the groups gnomAD compares: African/African-American, 0.0053%; no homozygotes.

Submissions (4):

GeneDx
Classification: Uncertain significance. Last evaluated: 2025-06-11. Review status: criteria provided, single submitter. Criteria: GeneDx Variant Classification Process June 2021. Collection method: clinical testing. Allele origin: germline. Affected: yes.
Comment: Not observed at significant frequency in large population cohorts (gnomAD); In silico analysis suggests that this missense variant does not alter protein structure/function; Has not been previously published as pathogenic or benign to our knowledge

Ambry Genetics
Classification: Uncertain significance for Inborn genetic diseases. Last evaluated: 2025-02-01. Review status: criteria provided, single submitter. Criteria: Ambry Variant Classification Scheme 2023. Collection method: clinical testing. Allele origin: germline.
Comment: The p.D995E variant (also known as c.2985C>G), located in coding exon 29 of the RTEL1 gene, results from a C to G substitution at nucleotide position 2985. The aspartic acid at codon 995 is replaced by glutamic acid, an amino acid with highly similar properties. This amino acid position is conserved. In addition, this alteration is predicted to be tolerated by in silico analysis. Based on the available evidence, the clinical significance of this variant remains unclear.

Labcorp Genetics (formerly Invitae), Labcorp
Classification: Uncertain significance for Dyskeratosis congenita, autosomal recessive 5; Pulmonary fibrosis and/or bone marrow failure, Telomere-related, 3. Last evaluated: 2023-05-09. Review status: criteria provided, single submitter. Criteria: Invitae Variant Classification Sherloc (09022015). Collection method: clinical testing. Allele origin: germline.
Comment: In summary, the available evidence is currently insufficient to determine the role of this variant in disease. Therefore, it has been classified as a Variant of Uncertain Significance. Algorithms developed to predict the effect of missense changes on protein structure and function output the following: SIFT: "Not Available"; PolyPhen-2: "Benign"; Align-GVGD: "Not Available". The glutamic acid amino acid residue is found in multiple mammalian species, which suggests that this missense change does not adversely affect protein function. ClinVar contains an entry for this variant (Variation ID: 842086). This variant has not been reported in the literature in individuals affected with RTEL1-related conditions. The frequency data for this variant in the population databases is considered unreliable, as metrics indicate poor data quality at this position in the gnomAD database. This sequence change replaces aspartic acid, which is acidic and polar, with glutamic acid, which is acidic and polar, at codon 995 of the RTEL1 protein (p.Asp995Glu).

Natera, Inc.
Classification: Uncertain significance for Dyskeratosis congenita. Last evaluated: 2021-09-20. Review status: no assertion criteria provided. Collection method: clinical testing. Allele origin: germline. Not counted in ClinVar's aggregate classification.

NM_001283009.2(RTEL1):c.2985C>G (p.Asp995Glu)

Genes: RTEL1 (regulator of telomere elongation helicase 1; plus strand), RTEL1-TNFRSF6B (RTEL1-TNFRSF6B readthrough (NMD candidate); plus strand). Cytogenetic location: 20q13.33.
Variant type: single nucleotide variant.
Coding change: c.2985C>G on transcript NM_001283009.2 (MANE Select); coding-DNA position 2985, C replaced by G.
Protein change: p.Asp995Glu; replaces aspartic acid 995 with glutamic acid.
Molecular consequence: missense variant. On other transcripts: non-coding transcript variant (1).
Genome position (GRCh38, 1-based): chr20:63,693,276, C>G. VCF-style: chr20-63693276-C-G. GRCh37 (hg19) VCF-style: chr20-62324629-C-G.
Other names: c.2316C>G, p.Asp772Glu (NM_001283010.1); c.2985C>G, p.Asp995Glu (NM_016434.4); c.3057C>G, p.Asp1019Glu (NM_032957.5); short protein forms D1019E, D772E, D995E.
Identifiers: ClinVar variation 842086 (VCV000842086.13), dbSNP rs762474261, ClinGen allele CA317522345.